The following is an entry in ClinVar:

ClinVar aggregate classification (germline): Uncertain significance (1 of 4 stars; one submission).

gnomAD v4.1: 19 of 1,612,738 alleles (0.0012%); highest among the groups gnomAD compares: Non-Finnish European, 0.0015%; no homozygotes.

Submission:

Ambry Genetics
Classification: Uncertain significance. Last evaluated: 2024-11-25. Review status: criteria provided, single submitter. Criteria: Ambry Variant Classification Scheme 2023. Collection method: clinical testing. Allele origin: germline.
Comment: The p.P974L variant (also known as c.2921C>T), located in coding exon 10 of the CDK12 gene, results from a C to T substitution at nucleotide position 2921. The proline at codon 974 is replaced by leucine, an amino acid with similar properties. This amino acid position is conserved. In addition, this alteration is predicted to be tolerated by in silico analysis. Based on the available evidence, the clinical significance of this variant remains unclear.

NM_016507.4(CDK12):c.2921C>T (p.Pro974Leu)

Gene: CDK12 (cyclin dependent kinase 12; plus strand). Cytogenetic location: 17q12.
Variant type: single nucleotide variant.
Coding change: c.2921C>T on transcript NM_016507.4 (MANE Select); coding-DNA position 2921, C replaced by T.
Protein change: p.Pro974Leu; replaces proline 974 with leucine.
Molecular consequence: missense variant.
Genome position (GRCh38, 1-based): chr17:39,517,514, C>T. VCF-style: chr17-39517514-C-T. GRCh37 (hg19) VCF-style: chr17-37673767-C-T.
Other names: c.2921C>T, p.Pro974Leu (NM_015083.4); short protein forms P974L.
Identifiers: ClinVar variation 3489288 (VCV003489288.1).